The following is an entry in ClinVar:

NM_001159699.2(FHL1):c.830A>G (p.Asn277Ser)

Gene: FHL1 (four and a half LIM domains 1; plus strand). Cytogenetic location: Xq26.3.
Variant type: single nucleotide variant.
Coding change: c.830A>G on transcript NM_001159699.2 (MANE Select); coding-DNA position 830, A replaced by G.
Protein change: p.Asn277Ser; replaces asparagine 277 with serine.
Molecular consequence: missense variant. On other transcripts: 3 prime UTR variant (6), non-coding transcript variant (1).
Genome position (GRCh38, 1-based): chrX:136,209,964, A>G. VCF-style: chrX-136209964-A-G. GRCh37 (hg19) VCF-style: chrX-135292123-A-G.
Other names: c.782A>G, p.Asn261Ser (NM_001159700.2, NM_001159704.1, NM_001167819.1 and 4 more transcripts); c.869A>G, p.Asn290Ser (NM_001159701.2); c.*10A>G (NM_001159702.3, NM_001159703.2, NM_001330659.2 and 3 more transcripts); c.782A>G (NM_001449.4); short protein forms N290S, N261S, N277S.
Identifiers: ClinVar variation 1425450 (VCV001425450.6), dbSNP rs2148383804, ClinGen allele CA414609826.

ClinVar aggregate classification (germline): Uncertain significance. Review status: criteria provided, multiple submitters, no conflicts (2 of 4 stars). 2 submissions from 2 submitters: Uncertain significance (2). Last evaluated 2024-03-24.

Conditions:
Cardiovascular phenotype. Identifiers: MedGen CN230736.
X-linked myopathy with postural muscle atrophy. Also called: FHL1-Related Emery-Dreifuss Muscular Dystrophy, X-Linked. Identifiers: Orphanet 178461, MedGen C2678055, MONDO:0010401, OMIM 300696.

Submissions (2):

Ambry Genetics
Classification: Uncertain significance for Cardiovascular phenotype. Last evaluated: 2024-03-24. Review status: criteria provided, single submitter. Criteria: Ambry Variant Classification Scheme 2023. Collection method: clinical testing. Allele origin: germline.
Comment: The p.N261S variant (also known as c.782A>G), located in coding exon 5 of the FHL1 gene, results from an A to G substitution at nucleotide position 782. The asparagine at codon 261 is replaced by serine, an amino acid with highly similar properties. This amino acid position is conserved. In addition, this alteration is predicted to be tolerated by in silico analysis. Based on the available evidence, the clinical significance of this alteration remains unclear.

Labcorp Genetics (formerly Invitae), Labcorp
Classification: Uncertain significance for X-linked myopathy with postural muscle atrophy. Last evaluated: 2021-08-24. Review status: criteria provided, single submitter. Criteria: Invitae Variant Classification Sherloc (09022015). Collection method: clinical testing. Allele origin: germline.
Comment: This sequence change replaces asparagine with serine at codon 261 of the FHL1 protein (p.Asn261Ser). The asparagine residue is highly conserved and there is a small physicochemical difference between asparagine and serine. This variant is not present in population databases (ExAC no frequency). This variant has not been reported in the literature in individuals affected with FHL1-related conditions. Algorithms developed to predict the effect of missense changes on protein structure and function are either unavailable or do not agree on the potential impact of this missense change (SIFT: "Deleterious"; PolyPhen-2: "Benign"; Align-GVGD: "Class C0"). Algorithms developed to predict the effect of sequence changes on RNA splicing suggest that this variant may create or strengthen a splice site. In summary, the available evidence is currently insufficient to determine the role of this variant in disease. Therefore, it has been classified as a Variant of Uncertain Significance.